The following is an entry in ClinVar:

ClinVar aggregate classification (germline): Uncertain significance (1 of 4 stars; one submission).

Conditions:
Inborn genetic diseases. Identifiers: MedGen C0950123, MeSH D030342.

Submission:

Ambry Genetics
Classification: Uncertain significance for Inborn genetic diseases. Last evaluated: 2025-05-01. Review status: criteria provided, single submitter. Criteria: Ambry Variant Classification Scheme 2023. Collection method: clinical testing. Allele origin: germline.
Comment: The p.A896V variant (also known as c.2687C>T), located in coding exon 28 of the RTEL1 gene, results from a C to T substitution at nucleotide position 2687. The alanine at codon 896 is replaced by valine, an amino acid with similar properties. This amino acid position is conserved. In addition, this alteration is predicted to be tolerated by in silico analysis. Based on the available evidence, the clinical significance of this variant remains unclear.

NM_001283009.2(RTEL1):c.2687C>T (p.Ala896Val)

Genes: RTEL1 (regulator of telomere elongation helicase 1; plus strand), RTEL1-TNFRSF6B (RTEL1-TNFRSF6B readthrough (NMD candidate); plus strand). Cytogenetic location: 20q13.33.
Variant type: single nucleotide variant.
Coding change: c.2687C>T on transcript NM_001283009.2 (MANE Select); coding-DNA position 2687, C replaced by T.
Protein change: p.Ala896Val; replaces alanine 896 with valine.
Molecular consequence: missense variant. On other transcripts: non-coding transcript variant (1).
Genome position (GRCh38, 1-based): chr20:63,692,839, C>T. VCF-style: chr20-63692839-C-T. GRCh37 (hg19) VCF-style: chr20-62324192-C-T.
Other names: c.2018C>T, p.Ala673Val (NM_001283010.1); c.2687C>T, p.Ala896Val (NM_016434.4); c.2759C>T, p.Ala920Val (NM_032957.5); short protein forms A896V, A673V, A920V.
Identifiers: ClinVar variation 3948357 (VCV003948357.1).